The following is an entry in ClinVar:

ClinVar aggregate classification (germline): Conflicting classifications of pathogenicity. Review status: criteria provided, conflicting classifications (1 of 4 stars). 3 submissions from 3 submitters: Uncertain significance (1); Likely benign (1). 1 of the submissions does not count toward it. Last evaluated 2023-10-12.

Conditions:
Autosomal recessive polycystic kidney disease (ARPKD). Also called: AR polycystic kidney disease. Identifiers: Orphanet 731, Orphanet 8378, MedGen C0085548, MeSH D017044, MONDO:0009889.
Polycystic kidney disease 4 (PKD4). Also called: PKD3; POLYCYSTIC KIDNEY DISEASE 4 WITH OR WITHOUT POLYCYSTIC LIVER DISEASE; Autosomal Recessive Polycystic Kidney Disease – PKHD1; POLYCYSTIC KIDNEY AND HEPATIC DISEASE 1; POLYCYSTIC KIDNEY DISEASE, INFANTILE, TYPE I. Identifiers: MedGen C4540575, MONDO:0033004, OMIM 263200.
PKHD1-related disorder. Also called: PKHD1-related condition.

Allele frequency attached by ClinVar (database versions not stated): gnomAD exomes below 0.00001; gnomAD 0.00001; ExAC 0.00004; 1000 Genomes Project 0.00040; 1000 Genomes Project 30x 0.00047.
gnomAD v4.1: 8 of 1,613,948 alleles (0.0005%); highest among the groups gnomAD compares: South Asian, 0.0088%; no homozygotes.

Submissions (3):

Labcorp Genetics (formerly Invitae), Labcorp
Classification: Likely benign for Autosomal recessive polycystic kidney disease. Last evaluated: 2023-10-12. Review status: criteria provided, single submitter. Criteria: Invitae Variant Classification Sherloc (09022015). Collection method: clinical testing. Allele origin: germline.

Revvity Omics, Revvity
Classification: Uncertain significance for Polycystic kidney disease 4. Last evaluated: 2022-03-17. Review status: criteria provided, single submitter. Criteria: ACMG Guidelines, 2015. Collection method: clinical testing. Allele origin: germline.

PreventionGenetics, part of Exact Sciences
Classification: Likely benign for PKHD1-related condition. Last evaluated: 2024-07-30. Review status: no assertion criteria provided. Collection method: clinical testing. Allele origin: germline. Not counted in ClinVar's aggregate classification.
Comment: This variant is classified as likely benign based on ACMG/AMP sequence variant interpretation guidelines (Richards et al. 2015 PMID: 25741868, with internal and published modifications).

NM_138694.4(PKHD1):c.3060A>G (p.Arg1020=)

Gene: PKHD1 (PKHD1 ciliary IPT domain containing fibrocystin/polyductin; minus strand). Cytogenetic location: 6p12.2.
Variant type: single nucleotide variant.
Coding change: c.3060A>G on transcript NM_138694.4 (MANE Select); coding-DNA position 3060, A replaced by G.
Protein change: p.Arg1020=; no amino-acid change (arginine 1020 retained).
Molecular consequence: synonymous variant.
Genome position (GRCh38, 1-based): chr6:52,042,896, T>C on the plus strand (A>G on the coding strand, the complement: PKHD1 is on the minus strand). VCF-style: chr6-52042896-T-C. GRCh37 (hg19) VCF-style: chr6-51907694-T-C.
Other names: c.3060A>G, p.Arg1020= (NM_170724.3); c.3060A>G (NM_138694.3).
Identifiers: ClinVar variation 2434887 (VCV002434887.7), dbSNP rs573985690, ClinGen allele CA3853058.